The following is an entry in ClinVar:

ClinVar aggregate classification (germline): Conflicting classifications of pathogenicity. Review status: criteria provided, conflicting classifications (1 of 4 stars). 4 submissions from 4 submitters: Uncertain significance (1); Likely benign (3). Last evaluated 2026-07-07.

Conditions:
Cardiomyopathy (CMYO). Also called: Cardiomyopathies. Identifiers: Orphanet 167848, MedGen C0878544, MONDO:0004994, HP:0001638. Inheritance: Various modes of inheritance.
Arrhythmogenic cardiomyopathy with wooly hair and keratoderma. Also called: PALMOPLANTAR KERATODERMA WITH LEFT VENTRICULAR CARDIOMYOPATHY AND WOOLLY HAIR; Dilated cardiomyopathy with woolly hair and keratoderma; Arrhythmogenic cardiomyopathy with woolly hair and keratoderma; Carvajal syndrome. Identifiers: Orphanet 65282, MedGen C1854063, MONDO:0011581, OMIM 605676.
Arrhythmogenic right ventricular dysplasia 8 (ARVD8). Also called: Arrhythmogenic Right Ventricular Dysplasia/Cardiomyopathy 8; ARRHYTHMOGENIC RIGHT VENTRICULAR DYSPLASIA, FAMILIAL, 8; ARRHYTHMOGENIC RIGHT VENTRICULAR CARDIOMYOPATHY 8. Identifiers: MedGen C1843896, MONDO:0011831, OMIM 607450.
Cardiovascular phenotype. Identifiers: MedGen CN230736.

Allele frequency attached by ClinVar (database versions not stated): gnomAD exomes below 0.00001.
gnomAD v4.1: 3 of 1,569,612 alleles (0.00019%); highest among the groups gnomAD compares: Non-Finnish European, 0.00026%; no homozygotes.

Submissions (4):

Ambry Genetics
Classification: Likely benign for Cardiovascular phenotype. Last evaluated: 2026-07-07. Review status: criteria provided, single submitter. Criteria: Ambry Variant Classification Scheme 2023. Collection method: clinical testing. Allele origin: germline.

Labcorp Genetics (formerly Invitae), Labcorp
Classification: Uncertain significance for Arrhythmogenic cardiomyopathy with wooly hair and keratoderma; Arrhythmogenic right ventricular dysplasia 8. Last evaluated: 2025-06-22. Review status: criteria provided, single submitter. Criteria: Invitae Variant Classification Sherloc (09022015). Collection method: clinical testing. Allele origin: germline.
Comment: This sequence change replaces isoleucine, which is neutral and non-polar, with valine, which is neutral and non-polar, at codon 48 of the DSP protein (p.Ile48Val). This variant is not present in population databases (gnomAD no frequency). This variant has not been reported in the literature in individuals affected with DSP-related conditions. ClinVar contains an entry for this variant (Variation ID: 924905). An algorithm developed to predict the effect of missense changes on protein structure and function outputs the following: PolyPhen-2: "Benign". The valine amino acid residue is found in multiple mammalian species, which suggests that this missense change does not adversely affect protein function. In summary, the available evidence is currently insufficient to determine the role of this variant in disease. Therefore, it has been classified as a Variant of Uncertain Significance.

Color Diagnostics, LLC DBA Color Health
Classification: Likely benign for Cardiomyopathy. Last evaluated: 2024-08-29. Review status: criteria provided, single submitter. Criteria: ACMG Guidelines, 2015. Collection method: clinical testing. Allele origin: germline.

All of Us Research Program, National Institutes of Health
Classification: Likely benign for Arrhythmogenic cardiomyopathy with wooly hair and keratoderma. Last evaluated: 2023-10-27. Review status: criteria provided, single submitter. Criteria: ACMG Guidelines, 2015. Collection method: clinical testing. Allele origin: germline. Inheritance: Autosomal dominant inheritance. Observed: 1 variant allele, 1 heterozygote.
Comment: This study involves interpretation of variants in research participants for the purpose of population health screening. Participant phenotype was not available at the time of variant classification. Additional details can be found in publication PMID: 35346344, PMCID: PMC8962531

NM_004415.4(DSP):c.142A>G (p.Ile48Val)

Genes: DSP (desmoplakin; plus strand), DSP-AS1 (DSP antisense RNA 1; minus strand). Cytogenetic location: 6p24.3.
Variant type: single nucleotide variant.
Coding change: c.142A>G on transcript NM_004415.4 (MANE Select); coding-DNA position 142, A replaced by G.
Protein change: p.Ile48Val; replaces isoleucine 48 with valine.
Molecular consequence: missense variant.
Genome position (GRCh38, 1-based): chr6:7,542,057, A>G. VCF-style: chr6-7542057-A-G. GRCh37 (hg19) VCF-style: chr6-7542290-A-G.
Other names: c.142A>G, p.Ile48Val (NM_001008844.3, NM_001319034.2); short protein forms I48V.
Identifiers: ClinVar variation 924905 (VCV000924905.6), dbSNP rs1757998776, ClinGen allele CA362675943.